The following is an entry in ClinVar:

ClinVar aggregate classification (germline): Uncertain significance (1 of 4 stars; one submission).

Conditions:
Inborn genetic diseases. Identifiers: MedGen C0950123, MeSH D030342.

Allele frequency attached by ClinVar (database versions not stated): gnomAD exomes below 0.00001; gnomAD 0.00001.
gnomAD v4.1: 3 of 1,614,068 alleles (0.00019%); highest among the groups gnomAD compares: African/African-American, 0.0013%; no homozygotes.

Submission:

Ambry Genetics
Classification: Uncertain significance for Inborn genetic diseases. Last evaluated: 2023-08-31. Review status: criteria provided, single submitter. Criteria: Ambry Variant Classification Scheme 2023. Collection method: clinical testing. Allele origin: germline.
Comment: The p.L628V variant (also known as c.1882C>G), located in coding exon 12 of the EPAS1 gene, results from a C to G substitution at nucleotide position 1882. The leucine at codon 628 is replaced by valine, an amino acid with highly similar properties. This amino acid position is conserved. In addition, this alteration is predicted to be tolerated by in silico analysis. Since supporting evidence is limited at this time, the clinical significance of this alteration remains unclear.

NM_001430.5(EPAS1):c.1882C>G (p.Leu628Val)

Gene: EPAS1 (endothelial PAS domain protein 1; plus strand). Cytogenetic location: 2p21.
Variant type: single nucleotide variant.
Coding change: c.1882C>G on transcript NM_001430.5 (MANE Select); coding-DNA position 1882, C replaced by G.
Protein change: p.Leu628Val; replaces leucine 628 with valine.
Molecular consequence: missense variant.
Genome position (GRCh38, 1-based): chr2:46,380,554, C>G. VCF-style: chr2-46380554-C-G. GRCh37 (hg19) VCF-style: chr2-46607693-C-G.
Other names: short protein forms L628V.
Identifiers: ClinVar variation 2588587 (VCV002588587.2), dbSNP rs1402437703, ClinGen allele CA346705074.